The following is an entry in ClinVar:

ClinVar aggregate classification (germline): Pathogenic (1 of 4 stars; one submission).

Conditions:
Multiple endocrine neoplasia type 4. Also called: MULTIPLE ENDOCRINE NEOPLASIA, TYPE IV. Identifiers: Orphanet 276152, MedGen C1970712, MONDO:0012552, OMIM 610755.

Submission:

Labcorp Genetics (formerly Invitae), Labcorp
Classification: Pathogenic for Multiple endocrine neoplasia, type 4. Last evaluated: 2019-07-06. Review status: criteria provided, single submitter. Criteria: Invitae Variant Classification Sherloc (09022015). Collection method: clinical testing. Allele origin: germline.
Comment: A gross deletion of the genomic region encompassing the full coding sequence of the CDKN1B gene has been identified. The boundaries of this event are unknown as the deletion extends beyond the assayed region for this gene and therefore may encompass additional genes. This particular variant has not been reported in the literature in individuals with CDKN1B-related disease. Loss-of-function variants in CDKN1B are known to be pathogenic (PMID: 17030811, 24819502). For these reasons, this variant has been classified as Pathogenic.

NC_000012.12:g.(?_12717830)_(12718956_?)del

Gene: CDKN1B (cyclin dependent kinase inhibitor 1B; plus strand). Cytogenetic location: 12p13.1.
Variant type: Deletion.
Identifiers: ClinVar variation 832716 (VCV000832716.1).